The following is an entry in ClinVar:

NM_198578.4(LRRK2):c.3974G>A (p.Arg1325Gln)

Gene: LRRK2 (leucine rich repeat kinase 2; plus strand). Cytogenetic location: 12q12.
Variant type: single nucleotide variant.
Coding change: c.3974G>A on transcript NM_198578.4 (MANE Select); coding-DNA position 3974, G replaced by A.
Protein change: p.Arg1325Gln; replaces arginine 1325 with glutamine.
Molecular consequence: missense variant.
Genome position (GRCh38, 1-based): chr12:40,308,481, G>A. VCF-style: chr12-40308481-G-A. GRCh37 (hg19) VCF-style: chr12-40702283-G-A.
Other names: p.Arg1325Gln; short protein forms R1325Q.
Identifiers: ClinVar variation 39175 (VCV000039175.15), dbSNP rs72546338, ClinGen allele CA343561.

ClinVar aggregate classification (germline): Conflicting classifications of pathogenicity. Review status: criteria provided, conflicting classifications (1 of 4 stars). 7 submissions from 7 submitters: Likely pathogenic (1); Uncertain significance (5). 1 of the submissions does not count toward it. Last evaluated 2025-02-18.

Conditions:
LRRK2-related disorder. Also called: LRRK2-related condition.
Autosomal dominant Parkinson disease 8. Also called: LRRK2-Related Parkinson Disease; Parkinson disease 8; Parkinson disease 8, susceptibility to. Identifiers: Orphanet 411602, MedGen C1846862, MONDO:0011764, OMIM 607060.

Allele frequency attached by ClinVar (database versions not stated): TOPMed 0.00015; ExAC 0.00018; gnomAD exomes 0.00019 and 0.00038; gnomAD 0.00020 and 0.00021; ESP Exome Variant Server 0.00023.

Submissions (7):

Mayo Clinic Laboratories, Mayo Clinic
Classification: Uncertain significance. Last evaluated: 2025-02-18. Review status: criteria provided, single submitter. Criteria: ACMG Guidelines, 2015. Collection method: clinical testing. Allele origin: germline. Observed: 3 variant alleles.
Comment: BS2

PreventionGenetics, part of Exact Sciences
Classification: Uncertain significance for LRRK2-related condition. Last evaluated: 2024-11-26. Review status: criteria provided, single submitter. Criteria: ACMG Guidelines, 2015. Collection method: clinical testing. Allele origin: germline.
Comment: The LRRK2 c.3974G>A variant is predicted to result in the amino acid substitution p.Arg1325Gln. This variant has been reported in multiple individuals with Parkinson disease (Nuytemans et al. 2008. PubMed ID: 18197194; Ross et al. 2011. PubMed ID: 21885347; Table S2, Usenko et al. 2023. PubMed ID: 37473971). This variant is reported in 0.033% of alleles in individuals of South Asian descent in gnomAD. At this time, the clinical significance of this variant is uncertain due to the absence of conclusive functional and genetic evidence.

Labcorp Genetics (formerly Invitae), Labcorp
Classification: Uncertain significance for Autosomal dominant Parkinson disease 8. Last evaluated: 2024-10-28. Review status: criteria provided, single submitter. Criteria: Invitae Variant Classification Sherloc (09022015). Collection method: clinical testing. Allele origin: germline.
Comment: This sequence change replaces arginine, which is basic and polar, with glutamine, which is neutral and polar, at codon 1325 of the LRRK2 protein (p.Arg1325Gln). This variant is present in population databases (rs72546338, gnomAD 0.03%), and has an allele count higher than expected for a pathogenic variant. This missense change has been observed in individual(s) with Parkinson disease (PMID: 18197194, 19405094, 21885347, 30598256). ClinVar contains an entry for this variant (Variation ID: 39175). Invitae Evidence Modeling of protein sequence and biophysical properties (such as structural, functional, and spatial information, amino acid conservation, physicochemical variation, residue mobility, and thermodynamic stability) indicates that this missense variant is expected to disrupt LRRK2 protein function with a positive predictive value of 80%. Experimental studies have shown that this missense change affects LRRK2 function (PMID: 35950872). In summary, the available evidence is currently insufficient to determine the role of this variant in disease. Therefore, it has been classified as a Variant of Uncertain Significance.

Baylor Genetics
Classification: Uncertain significance for Autosomal dominant Parkinson disease 8. Last evaluated: 2024-01-25. Review status: criteria provided, single submitter. Criteria: ACMG Guidelines, 2015. Collection method: clinical testing. Allele origin: unknown.

GeneDx
Classification: Uncertain significance. Last evaluated: 2022-08-05. Review status: criteria provided, single submitter. Criteria: GeneDx Variant Classification Process June 2021. Collection method: clinical testing. Allele origin: germline. Affected: yes.
Comment: Reported previously in individuals with Parkinson disease; however, the R1325Q variant was also observed in healthy control individuals in published literature (Zhang et al., 2018; Foo et al., 2014; Lesage et al., 2009); Reported as heterozygous in an individual with Parkinson disease and as homozygous in the individual's mother with tremor in published literature (Nuytemans et al., 2008); In silico analysis supports that this missense variant does not alter protein structure/function; This variant is associated with the following publications: (PMID: 19405094, 19472409, 31161537, 21885347, 18197194, 34426522, 20301387, 18973807, 30598256, 33272183, 33454605, 30049590, 24565865, 19357115, Kalogeropulou2022[functionalstudy])

CENTOGENE GmbH and LLC - Guiding Precision Medicine
Classification: Likely pathogenic for Autosomal dominant Parkinson disease 8. Last evaluated: 2021-04-21. Review status: criteria provided, single submitter. Criteria: ACMG Guidelines, 2015. Collection method: clinical testing. Allele origin: germline. Affected: no.

GeneReviews
No classification provided. Condition: Autosomal dominant Parkinson disease 8. Review status: no classification provided. Collection method: literature only. Allele origin: unknown. Not counted in ClinVar's aggregate classification.

Literature cited by the submitters: PubMed 18197194 (cited by Mayo Clinic Laboratories, Mayo Clinic and Labcorp Genetics (formerly Invitae), Labcorp); PubMed 19357115 (cited by Mayo Clinic Laboratories, Mayo Clinic); PubMed 19405094 (cited by Mayo Clinic Laboratories, Mayo Clinic and Labcorp Genetics (formerly Invitae), Labcorp); PubMed 21885347 (cited by Mayo Clinic Laboratories, Mayo Clinic and Labcorp Genetics (formerly Invitae), Labcorp); PubMed 27091104 (cited by Mayo Clinic Laboratories, Mayo Clinic); PubMed 29576439 (cited by Mayo Clinic Laboratories, Mayo Clinic); PubMed 30049590 (cited by Mayo Clinic Laboratories, Mayo Clinic); PubMed 30598256 (cited by Mayo Clinic Laboratories, Mayo Clinic and Labcorp Genetics (formerly Invitae), Labcorp); PubMed 34426522 (cited by Mayo Clinic Laboratories, Mayo Clinic); PubMed 35950872 (cited by Mayo Clinic Laboratories, Mayo Clinic and Labcorp Genetics (formerly Invitae), Labcorp); PubMed 20301387 (cited by GeneReviews); NCBI Bookshelf NBK1208 (cited by GeneReviews).